The following is an entry in ClinVar:

ClinVar aggregate classification (germline): Conflicting classifications of pathogenicity. Review status: criteria provided, conflicting classifications (1 of 4 stars). 4 submissions from 4 submitters: Uncertain significance (1); Likely benign (3). Last evaluated 2026-01-19.

Conditions:
Osteopetrosis. Identifiers: Orphanet 2781, MedGen C0029454, MONDO:0017198, HP:0011002.

Allele frequency attached by ClinVar (database versions not stated): ESP Exome Variant Server 0.00008; ExAC 0.00015; gnomAD exomes 0.00028; gnomAD 0.00031 and 0.00034; TOPMed 0.00037.
gnomAD v4.1: 472 of 1,553,196 alleles (0.03%); highest among the groups gnomAD compares: Admixed American, 0.041%; no homozygotes.

Submissions (4):

Labcorp Genetics (formerly Invitae), Labcorp
Classification: Likely benign. Last evaluated: 2026-01-19. Review status: criteria provided, single submitter. Criteria: Invitae Variant Classification Sherloc (09022015). Collection method: clinical testing. Allele origin: germline.

CeGaT Center for Human Genetics Tuebingen
Classification: Likely benign. Last evaluated: 2025-04-01. Review status: criteria provided, single submitter. Criteria: CeGaT Center For Human Genetics Tuebingen Variant Classification Criteria Version 2. Collection method: clinical testing. Allele origin: germline. Affected: yes. Observed: 1 variant allele.
Comment: CLCN7: BP4, BP7

Blueprint Genetics
Classification: Likely benign. Last evaluated: 2024-09-23. Review status: criteria provided, single submitter. Criteria: ACMG Guidelines, 2015. Collection method: clinical testing. Allele origin: germline.

Illumina Laboratory Services, Illumina
Classification: Uncertain significance for Osteopetrosis. Last evaluated: 2018-01-12. Review status: criteria provided, single submitter. Criteria: ICSL Variant Classification Criteria 13 December 2019. Collection method: clinical testing. Allele origin: germline.

NM_001287.6(CLCN7):c.2154C>T (p.Phe718=)

Gene: CLCN7 (Cl-/H+ antiporter 7; minus strand). Cytogenetic location: 16p13.3.
Variant type: single nucleotide variant.
Coding change: c.2154C>T on transcript NM_001287.6 (MANE Select); coding-DNA position 2154, C replaced by T.
Protein change: p.Phe718=; no amino-acid change (phenylalanine 718 retained).
Molecular consequence: synonymous variant.
Genome position (GRCh38, 1-based): chr16:1,447,488, G>A on the plus strand (C>T on the coding strand, the complement: CLCN7 is on the minus strand). VCF-style: chr16-1447488-G-A. GRCh37 (hg19) VCF-style: chr16-1497489-G-A.
Other names: c.2082C>T, p.Phe694= (NM_001114331.3).
Identifiers: ClinVar variation 317944 (VCV000317944.20), dbSNP rs145775350, ClinGen allele CA7809903.